The following is an entry in ClinVar:

ClinVar aggregate classification (germline): Benign. Review status: criteria provided, multiple submitters, no conflicts (2 of 4 stars). 3 submissions from 3 submitters: Benign (2). 1 of the submissions does not count toward it. Last evaluated 2021-05-03.

Conditions:
PTPRT-related disorder. Also called: PTPRT-related condition.

Allele frequency attached by ClinVar (database versions not stated): gnomAD exomes 0.36343 and 0.38063; ExAC 0.37847; ESP Exome Variant Server 0.38121; 1000 Genomes Project 0.38478; 1000 Genomes Project 30x 0.38991; gnomAD 0.39280 and 0.39496; TOPMed 0.39337.
gnomAD v4.1: 590,463 of 1,613,836 alleles (37%); highest among the groups gnomAD compares: African/African-American, 46%; 109,462 homozygotes.

Submissions (3):

GeneDx
Classification: Benign. Last evaluated: 2021-05-03. Review status: criteria provided, single submitter. Criteria: GeneDx Variant Classification Process June 2021. Collection method: clinical testing. Allele origin: germline. Affected: yes.

Breakthrough Genomics
Classification: Benign. Review status: criteria provided, single submitter. Criteria: ACMG Guidelines, 2015. Collection method: not provided. Allele origin: germline. Inheritance: Unknown mechanism. Affected: yes.

PreventionGenetics, part of Exact Sciences
Classification: Benign for PTPRT-related condition. Last evaluated: 2019-10-18. Review status: no assertion criteria provided. Collection method: clinical testing. Allele origin: germline. Not counted in ClinVar's aggregate classification.
Comment: This variant is classified as benign based on ACMG/AMP sequence variant interpretation guidelines (Richards et al. 2015 PMID: 25741868, with internal and published modifications).

NM_007050.6(PTPRT):c.1059T>C (p.Asp353=)

Gene: PTPRT (protein tyrosine phosphatase receptor type T; minus strand). Cytogenetic location: 20q12.
Variant type: single nucleotide variant.
Coding change: c.1059T>C on transcript NM_007050.6 (MANE Select); coding-DNA position 1059, T replaced by C.
Protein change: p.Asp353=; no amino-acid change (aspartic acid 353 retained).
Molecular consequence: synonymous variant.
Genome position (GRCh38, 1-based): chr20:42,677,960, A>G on the plus strand (T>C on the coding strand, the complement: PTPRT is on the minus strand). VCF-style: chr20-42677960-A-G. GRCh37 (hg19) VCF-style: chr20-41306600-A-G.
Other names: c.1059T>C, p.Asp353= (NM_001394024.1, NM_001394025.1, NM_001394026.1 and 1 more transcripts).
Identifiers: ClinVar variation 1226281 (VCV001226281.6), dbSNP rs2425516, ClinGen allele CA9864678.